The following continues an entry in ClinVar:

NM_000051.4(ATM):c.4388T>G (p.Phe1463Cys)

Gene: ATM. ClinVar aggregate classification (germline): Conflicting classifications of pathogenicity. Uncertain significance (3); Benign (10); Likely benign (9).

Submissions 18 to 27 of 27:

Women's Health and Genetics/Laboratory Corporation of America, LabCorp
Classification: Likely benign. Last evaluated: 2016-05-09. Review status: criteria provided, single submitter. Criteria: LabCorp Variant Classification Summary - May 2015. Collection method: clinical testing. Allele origin: germline.
Comment: Variant summary: The ATM c.4388T>G (p.Phe1463Cys) variant involves the alteration of a conserved nucleotide. 4/4 in silico tools predict a damaging outcome for this variant (SNPs&GO not captured due to low reliability index). However, these predictions have not been validated by any in vitro/vivo functional studies. This variant was found in 172/120622 control chromosomes (3 homozygotes) at a frequency of 0.0014259, which is approximately 3 times the estimated maximal expected allele frequency of a pathogenic ATM variant for breast cancer (0.0005001), suggesting this variant does not cause breast cancer. The variant was found in 149/65460 European non-Finnish chromosomes (0.002276) with 3 homozygotes; while this frequency does not exceed the estimated maximal expected allele frequency of a pathogenic ATM variant for Ataxia-telangiectasia (AT; 0.0039528), AT is a childhood disorder, and thus it would be unlikely for there to be 3 homozygous unaffected individuals in the ExAC database. Furthermore, it has been shown that while heterozygotes are not at increased risk of developing A-T neurologic manifestations, they have a fourfold increased risk of developing breast cancer through mechanisms that are not understood. Thus, if this were a pathogenic AT-causing variant, it would increase the risk of breast cancer. However, population control data strongly indicate that this variant does not cause breast cancer.This variant has been reported in patients with a variety types of cancers such as BrC, HD, HBOC, B-CLL, OvC, Pancreatic Cancer, and hemangioblastomas, however, there was no strong evidence to support the causative correlation of this variant with the diseases. Additionally, the variant was found to co-occur with likely pathogenic variants (BRIP1 c.440dupA and ATM c.1027_1030delGAAA) in internal specimens tested for cancer risk.Two clinical laboratories (via ClinVar) classified this variant as benign, one classified this variant as likely benign, and two labs classified it as VUS, without evidence to independently evaluate. Considering all, the variant was classified as Likely Benign until additional information becomes available.

Vantari Genetics
Classification: Uncertain significance for Hereditary cancer-predisposing syndrome. Last evaluated: 2015-10-26. Review status: criteria provided, single submitter. Criteria: ACMG Guidelines, 2015. Collection method: clinical testing. Allele origin: germline.

Eurofins Ntd Llc (ga)
Classification: Uncertain significance. Last evaluated: 2015-02-05. Review status: criteria provided, single submitter. Criteria: EGL Classification Definitions 2015. Collection method: clinical testing. Allele origin: germline. Observed: 3 variant alleles, 3 heterozygotes.

Color Diagnostics, LLC DBA Color Health
Classification: Benign for Hereditary cancer-predisposing syndrome. Last evaluated: 2014-12-04. Review status: criteria provided, single submitter. Criteria: ACMG Guidelines, 2015. Collection method: clinical testing. Allele origin: germline.

Ambry Genetics
Classification: Benign for Hereditary cancer-predisposing syndrome. Last evaluated: 2014-06-19. Review status: criteria provided, single submitter. Criteria: Ambry Variant Classification Scheme 2023. Collection method: clinical testing. Allele origin: germline.

Institute for Biomarker Research, Medical Diagnostic Laboratories, L.L.C.
Classification: Uncertain significance for Hereditary cancer-predisposing syndrome. Last evaluated: 2021-09-15. Review status: no assertion criteria provided. Collection method: clinical testing. Allele origin: germline. Not counted in ClinVar's aggregate classification.

Natera, Inc.
Classification: Benign for Ataxia-telangiectasia. Last evaluated: 2020-04-17. Review status: no assertion criteria provided. Collection method: clinical testing. Allele origin: germline. Not counted in ClinVar's aggregate classification.

Counsyl
Classification: Likely benign for Ataxia-telangiectasia syndrome. Last evaluated: 2018-02-22. Review status: no assertion criteria provided. Collection method: clinical testing. Allele origin: unknown. Not counted in ClinVar's aggregate classification.

ITMI
No classification provided. Condition: AllHighlyPenetrant. Last evaluated: 2013-09-19. Review status: no classification provided. Collection method: reference population. Allele origin: germline. Not counted in ClinVar's aggregate classification.
Comment: Please see associated publication for description of ethnicities

Department of Pathology and Laboratory Medicine, Sinai Health System
Classification: Likely benign for Malignant tumor of breast. Review status: no assertion criteria provided. Collection method: clinical testing. Allele origin: unknown. Affected: yes. Study: The Canadian Open Genetics Repository (COGR). Not counted in ClinVar's aggregate classification.
Comment: The ATM p.Phe1463Cys variant was identified in 12 of 4036 proband chromosomes (frequency: 0.00297) from individuals or families with breast cancer, ovarian cancer, Non-Hodgkin's lymphoma and Lynch syndrome (Liberzon 2004, Maillet 2002, Stafford 2017, Tung 2016, Yorczyk 2015, Yurgelun 2015). The variant was also identified in dbSBP (ID: rs138327406) as â€šÃ„ÃºWith other alleleâ€šÃ„Ã¹, ClinVar 6x with conflicting interpretations of pathogenicity (as uncertain significance by EGL Genetic and Vantari Genetics, as likely benign by GeneDx, and as benign by Invitae and Ambry Genetics), Clinvitae (4x), and Cosmic databases. The variant was not identified in MutDB, LOVD 3.0, and ATM-LOVD databases. The variant was identified in control databases in 405 of 276966 chromosomes at a frequency of 0.001462 in the following populations: Ashkenazi Jewish in 274 (7 homozygous) of 10144 chromosomes (freq. 0.027), Other in 21 of 6456 chromosomes (freq. 0.0033), Latino in 35 of 34392 chromosomes (freq. 0.001), European (Non-Finnish) in 67 of 126564 chromosomes (freq. 0.0005) and African in 8 of 24014 (freq. 0.0003), increasing the likelihood this could be a low frequency benign variant (Genome Aggregation Consortium Feb 27, 2017). The p.Phe1463Cys variant was found to co-occur with p.Pro604Ser in 2 individuals with Non-Hodgkinâ€šÃ„Ã´s lymphoma (Liberzon 2004). One study concluded that the p.Phe1463Cys variant is pathogenic in breast cancer because the amino acid substitution is known to be deleterious to ATM function in patients with B cell non-Hodgkinâ€šÃ„Ã´s lymphomas, as well as based on conservation data (Maillet 2002). The p.Phe1463 residue is conserved in mammals but not in more distantly related organisms, and computational analyses (PolyPhen-2, SIFT, AlignGVGD, BLOSUM, MutationTaster) suggest that the variant may impact the protein; however, this information is not predictive enough to assume pathogenicity. The variant occurs outside of the splicing consensus sequence and in silico or computational prediction software programs (SpliceSiteFinder, MaxEntScan, NNSPLICE, GeneSplicer, HumanSpliceFinder) do not predict a difference in splicing. In summary, based on the above information the clinical significance of this variant cannot be determined with certainty at this time although we would lean towards a more benign role for this variant. This variant is classified as likely benign.

Literature cited by the submitters: PubMed 25085752 (cited by Myriad Genetics, Inc.); PubMed 12362033 (cited by 5 submitters); PubMed 12473594 (cited by 3 submitters); PubMed 14735203 (cited by 3 submitters); PubMed 19781682 (cited by 3 submitters); PubMed 24549055 (cited by 3 submitters); PubMed 12697903 (cited by Quest Diagnostics Nichols Institute San Juan Capistrano and Athena Diagnostics); PubMed 25318351 (cited by Quest Diagnostics Nichols Institute San Juan Capistrano and Athena Diagnostics); PubMed 27878467 (cited by Quest Diagnostics Nichols Institute San Juan Capistrano and Athena Diagnostics); PubMed 26917275 (cited by Quest Diagnostics Nichols Institute San Juan Capistrano and Athena Diagnostics); PubMed 31780696 (cited by Quest Diagnostics Nichols Institute San Juan Capistrano); PubMed 29356034 (cited by Quest Diagnostics Nichols Institute San Juan Capistrano); PubMed 27153395 (cited by Quest Diagnostics Nichols Institute San Juan Capistrano and Athena Diagnostics); PubMed 26787654 (cited by Quest Diagnostics Nichols Institute San Juan Capistrano and Athena Diagnostics); PubMed 27621404 (cited by Quest Diagnostics Nichols Institute San Juan Capistrano and Athena Diagnostics); PubMed 14695997 (cited by Quest Diagnostics Nichols Institute San Juan Capistrano and Athena Diagnostics); PubMed 11996792 (cited by Quest Diagnostics Nichols Institute San Juan Capistrano and Athena Diagnostics); PubMed 28492530 (cited by Quest Diagnostics Nichols Institute San Juan Capistrano and Athena Diagnostics); PubMed 28652578 (cited by Quest Diagnostics Nichols Institute San Juan Capistrano and Athena Diagnostics); PubMed 24728327 (cited by 5 submitters); PubMed 26976419 (cited by Quest Diagnostics Nichols Institute San Juan Capistrano and Athena Diagnostics); PubMed 25589003 (cited by Women's Health and Genetics/Laboratory Corporation of America, LabCorp); PubMed 24448499 (cited by Women's Health and Genetics/Laboratory Corporation of America, LabCorp); PubMed 25479140 (cited by Women's Health and Genetics/Laboratory Corporation of America, LabCorp); PubMed 25587027 (cited by Women's Health and Genetics/Laboratory Corporation of America, LabCorp); PubMed 23376243 (cited by Counsyl); PubMed 23555315 (cited by Counsyl).